The following is an entry in ClinVar:

ClinVar aggregate classification (germline): Uncertain significance (1 of 4 stars; one submission).

Allele frequency attached by ClinVar (database versions not stated): gnomAD exomes below 0.00001; gnomAD 0.00001; TOPMed 0.00001.
gnomAD v4.1: 6 of 1,601,042 alleles (0.00037%); highest among the groups gnomAD compares: Non-Finnish European, 0.00051%; no homozygotes.

Submission:

Labcorp Genetics (formerly Invitae), Labcorp
Classification: Uncertain significance. Last evaluated: 2022-07-15. Review status: criteria provided, single submitter. Criteria: Invitae Variant Classification Sherloc (09022015). Collection method: clinical testing. Allele origin: germline.
Comment: In summary, the available evidence is currently insufficient to determine the role of this variant in disease. Therefore, it has been classified as a Variant of Uncertain Significance. This sequence change falls in intron 6 of the EXOC6B gene. It does not directly change the encoded amino acid sequence of the EXOC6B protein. It affects a nucleotide within the consensus splice site. Variants that disrupt the consensus splice site are a relatively common cause of aberrant splicing (PMID: 17576681, 9536098). Algorithms developed to predict the effect of sequence changes on RNA splicing suggest that this variant is not likely to affect RNA splicing. This variant has not been reported in the literature in individuals affected with EXOC6B-related conditions. This variant is not present in population databases (gnomAD no frequency).

Literature cited by the submitters: PubMed 17576681; PubMed 9536098.

NM_015189.3(EXOC6B):c.669+4G>A

Gene: EXOC6B (exocyst complex component 6B; minus strand). Cytogenetic location: 2p13.2.
Variant type: single nucleotide variant.
Coding change: c.669+4G>A on transcript NM_015189.3 (MANE Select); 4 bases into the intron after coding-DNA position 669, G replaced by A.
Molecular consequence: intron variant.
Genome position (GRCh38, 1-based): chr2:72,718,099, C>T on the plus strand (G>A on the coding strand, the complement: EXOC6B is on the minus strand). VCF-style: chr2-72718099-C-T. GRCh37 (hg19) VCF-style: chr2-72945228-C-T.
Other names: c.330+4G>A (NM_001321734.2); c.669+4G>A (NM_001321733.2, NM_001321730.2, NM_001321729.2 and 1 more transcripts).
Identifiers: ClinVar variation 1922654 (VCV001922654.5), dbSNP rs1371702913, ClinGen allele CA892792478.